The following is an entry in ClinVar:

ClinVar aggregate classification (germline): Pathogenic (1 of 4 stars; one submission).

Submission:

Labcorp Genetics (formerly Invitae), Labcorp
Classification: Pathogenic. Last evaluated: 2021-08-06. Review status: criteria provided, single submitter. Criteria: Invitae Variant Classification Sherloc (09022015). Collection method: clinical testing. Allele origin: germline.
Comment: This variant has not been reported in the literature in individuals affected with SLC46A1-related conditions. For these reasons, this variant has been classified as Pathogenic. This variant is not present in population databases (ExAC no frequency). This sequence change creates a premature translational stop signal (p.Ile188Serfs*22) in the SLC46A1 gene. It is expected to result in an absent or disrupted protein product. Loss-of-function variants in SLC46A1 are known to be pathogenic (PMID: 17446347, 21333572).

Literature cited by the submitters: PubMed 17446347; PubMed 21333572.

NM_080669.6(SLC46A1):c.559_589del (p.Ile188fs)

Gene: SLC46A1 (solute carrier family 46 member 1; minus strand). Cytogenetic location: 17q11.2.
Variant type: Deletion.
Coding change: c.559_589del on transcript NM_080669.6 (MANE Select); coding-DNA positions 559 to 589, 31 bases deleted.
Protein change: p.Ile188fs; shifts the reading frame from isoleucine 188.
Molecular consequence: frameshift variant.
Genome position (GRCh38, 1-based): chr17:28,405,108-28,405,138, 31 bases deleted; deleting any 31 consecutive bases within chr17:28,405,108-28,405,143 gives the same sequence; the c. name uses the placement nearest the transcript's 3' end. GRCh37 (hg19): chr17:26,732,131-26,732,161.
Other names: c.559_589del, p.Ile188fs (NM_001242366.3); short protein forms I188fs.
Identifiers: ClinVar variation 1356258 (VCV001356258.6), dbSNP rs869040219, ClinGen allele CA625774484.